The following is an entry in ClinVar:

NM_021969.3(NR0B2):c.304C>T (p.Gln102Ter)

Genes: NR0B2 (nuclear receptor subfamily 0 group B member 2; minus strand), NUDC (nuclear distribution C, dynein complex regulator; plus strand). Cytogenetic location: 1p36.11.
Variant type: single nucleotide variant.
Coding change: c.304C>T on transcript NM_021969.3 (MANE Select); coding-DNA position 304, C replaced by T.
Protein change: p.Gln102Ter; replaces glutamine 102 with a stop codon.
Molecular consequence: nonsense.
Genome position (GRCh38, 1-based): chr1:26,913,637, G>A on the plus strand (C>T on the coding strand, the complement: NR0B2 is on the minus strand). VCF-style: chr1-26913637-G-A. GRCh37 (hg19) VCF-style: chr1-27240128-G-A.
Other names: short protein forms Q102*.
Identifiers: ClinVar variation 4978412 (VCV004978412.1).
Genomic context (GRCh38, chr1:26,913,637, plus strand): 5'-GAATCTTCTTGAGTATGCTGGGCACCGGGGCCTCAGCCACCTCAAAGGTCACAGCATCTT[G>A]GGCCAACCCAAGCAGGAAGAGGGGGCCCCAGCAACCCTGCAGCAGCCGCCGCTGGTCCTG-3'

ClinVar aggregate classification (germline): Uncertain significance (1 of 4 stars; one submission).

Conditions:
NR0B2-related disorder. Also called: NR0B2-related condition.

Submission:

PreventionGenetics, part of Exact Sciences
Classification: Uncertain significance for NR0B2-related condition. Last evaluated: 2026-05-14. Review status: criteria provided, single submitter. Criteria: ACMG Guidelines, 2015. Collection method: clinical testing. Allele origin: germline.
Comment: The NR0B2 c.304C>T variant is predicted to result in premature protein termination (p.Gln102*). To our knowledge, this variant has not been reported in the literature or in a large population database (gnomAD), indicating this variant is rare. Although we suspect that this variant may be pathogenic, at this time, the clinical significance of this variant is uncertain due to the absence of conclusive functional and genetic evidence.